The following is an entry in ClinVar:

NM_032447.5(FBN3):c.7775G>A (p.Arg2592His)

Gene: FBN3 (fibrillin 3; minus strand). Cytogenetic location: 19p13.2.
Variant type: single nucleotide variant.
Coding change: c.7775G>A on transcript NM_032447.5 (MANE Select); coding-DNA position 7775, G replaced by A.
Protein change: p.Arg2592His; replaces arginine 2592 with histidine.
Molecular consequence: missense variant.
Genome position (GRCh38, 1-based): chr19:8,073,225, C>T on the plus strand (G>A on the coding strand, the complement: FBN3 is on the minus strand). VCF-style: chr19-8073225-C-T. GRCh37 (hg19) VCF-style: chr19-8138109-C-T.
Other names: c.7775G>A, p.Arg2592His (NM_001321431.2); short protein forms R2592H.
Identifiers: ClinVar variation 2144886 (VCV002144886.4), dbSNP rs760264358, ClinGen allele CA9150741.

ClinVar aggregate classification (germline): Uncertain significance (1 of 4 stars; one submission).

Allele frequency attached by ClinVar (database versions not stated): ExAC 0.00013.
gnomAD v4.1: 119 of 1,613,914 alleles (0.0074%); highest among the groups gnomAD compares: Middle Eastern, 0.066%; no homozygotes.

Submission:

Labcorp Genetics (formerly Invitae), Labcorp
Classification: Uncertain significance. Last evaluated: 2025-01-20. Review status: criteria provided, single submitter. Criteria: Invitae Variant Classification Sherloc (09022015). Collection method: clinical testing. Allele origin: germline.
Comment: This sequence change replaces arginine, which is basic and polar, with histidine, which is basic and polar, at codon 2592 of the FBN3 protein (p.Arg2592His). This variant is present in population databases (rs760264358, gnomAD 0.06%), and has an allele count higher than expected for a pathogenic variant. This variant has not been reported in the literature in individuals affected with FBN3-related conditions. ClinVar contains an entry for this variant (Variation ID: 2144886). Invitae Evidence Modeling of protein sequence and biophysical properties (such as structural, functional, and spatial information, amino acid conservation, physicochemical variation, residue mobility, and thermodynamic stability) indicates that this missense variant is not expected to disrupt FBN3 protein function with a negative predictive value of 80%. In summary, the available evidence is currently insufficient to determine the role of this variant in disease. Therefore, it has been classified as a Variant of Uncertain Significance.